The following is an entry in ClinVar:

ClinVar aggregate classification (germline): Pathogenic (1 of 4 stars; one submission).

Submission:

Labcorp Genetics (formerly Invitae), Labcorp
Classification: Pathogenic. Last evaluated: 2021-09-27. Review status: criteria provided, single submitter. Criteria: Invitae Variant Classification Sherloc (09022015). Collection method: clinical testing. Allele origin: germline.
Comment: This variant is also known as c.149_168delinsAGACCCCCAATT; p.Val51AspfsX27. This sequence change creates a premature translational stop signal (p.Val51Aspfs*28) in the RP1 gene. It is expected to result in an absent or disrupted protein product. Loss-of-function variants in RP1 are known to be pathogenic (PMID: 11960024, 19933189). This variant is not present in population databases (ExAC no frequency). This premature translational stop signal has been observed in individual(s) with retinitis pigmentosa (PMID: 22917891). For these reasons, this variant has been classified as Pathogenic.

Literature cited by the submitters: PubMed 11960024; PubMed 19933189; PubMed 22917891.

NM_006269.2(RP1):c.150_168delinsAGACCCCCAATT (p.Val51fs)

Gene: RP1 (RP1 axonemal microtubule associated; plus strand). Cytogenetic location: 8q12.1.
Variant type: Indel.
Coding change: c.150_168delinsAGACCCCCAATT on transcript NM_006269.2 (MANE Select); coding-DNA positions 150 to 168, GGTCAGGGTGGTGGTCAAC replaced by AGACCCCCAATT.
Protein change: p.Val51fs; shifts the reading frame from valine 51.
Molecular consequence: frameshift variant.
Genome position (GRCh38, 1-based): chr8:54,621,116-54,621,134, GGTCAGGGTGGTGGTCAAC replaced by AGACCCCCAATT. VCF-style: chr8-54621116-GGTCAGGGTGGTGGTCAAC-AGACCCCCAATT. GRCh37 (hg19) VCF-style: chr8-55533676-GGTCAGGGTGGTGGTCAAC-AGACCCCCAATT.
Other names: c.150_168delinsAGACCCCCAATT, p.Val51fs (NM_001375654.1); short protein forms V51fs.
Identifiers: ClinVar variation 1401598 (VCV001401598.6), dbSNP rs2129314132, ClinGen allele CA2573143211.